The following is an entry in ClinVar:

ClinVar aggregate classification (germline): Conflicting classifications of pathogenicity. Review status: criteria provided, conflicting classifications (1 of 4 stars). 4 submissions from 4 submitters: Likely pathogenic (2); Uncertain significance (1). 1 of the submissions does not count toward it. Last evaluated 2026-01-05.

Conditions:
Sandhoff disease. Also called: Beta-hexosaminidase-beta-subunit deficiency; GM2 gangliosidosis, type 2; Total hexosaminidase deficiency; Sandhoff-Jatzkewitz-Pilz disease; GM2-GANGLIOSIDOSIS, TYPE II; HEXOSAMINIDASES A AND B DEFICIENCY. Identifiers: Orphanet 796, MedGen C0036161, MONDO:0010006, OMIM 268800.

Allele frequency attached by ClinVar (database versions not stated): TOPMed 0.00001; gnomAD 0.00003.
gnomAD v4.1: 6 of 1,613,514 alleles (0.00037%); highest among the groups gnomAD compares: Non-Finnish European, 0.00051%; no homozygotes.

Submissions (4):

Labcorp Genetics (formerly Invitae), Labcorp
Classification: Likely pathogenic for Sandhoff disease. Last evaluated: 2026-01-05. Review status: criteria provided, single submitter. Criteria: Invitae Variant Classification Sherloc (09022015). Collection method: clinical testing. Allele origin: germline.
Comment: This sequence change replaces valine, which is neutral and non-polar, with glycine, which is neutral and non-polar, at codon 493 of the HEXB protein (p.Val493Gly). This variant is present in population databases (rs794727049, gnomAD 0.007%). This missense change has been observed in individual(s) with Sandhoff disease (internal data). In at least one individual the data is consistent with being in trans (on the opposite chromosome) from a pathogenic variant. ClinVar contains an entry for this variant (Variation ID: 193999). Invitae Evidence Modeling of protein sequence and biophysical properties (such as structural, functional, and spatial information, amino acid conservation, physicochemical variation, residue mobility, and thermodynamic stability) indicates that this missense variant is expected to disrupt HEXB protein function with a positive predictive value of 80%. In summary, the currently available evidence indicates that the variant is pathogenic, but additional data are needed to prove that conclusively. Therefore, this variant has been classified as Likely Pathogenic.

Women's Health and Genetics/Laboratory Corporation of America, LabCorp
Classification: Uncertain significance. Last evaluated: 2024-06-11. Review status: criteria provided, single submitter. Criteria: LabCorp Variant Classification Summary - May 2015. Collection method: clinical testing. Allele origin: germline.
Comment: Variant summary: HEXB c.1478T>G (p.Val493Gly) results in a non-conservative amino acid change located in the Glycoside hydrolase family 20, catalytic domain (IPR015883) of the encoded protein sequence. Five of five in-silico tools predict a damaging effect of the variant on protein function. The variant allele was found at a frequency of 3.2e-05 in 31406 control chromosomes. The available data on variant occurrences in the general population are insufficient to allow any conclusion about variant significance. To our knowledge, no occurrence of c.1478T>G in individuals affected with Sandhoff Disease and no experimental evidence demonstrating its impact on protein function have been reported. ClinVar contains an entry for this variant (Variation ID: 193999). Based on the evidence outlined above, the variant was classified as uncertain significance.

Eurofins Ntd Llc (ga)
Classification: Likely pathogenic. Last evaluated: 2017-04-12. Review status: criteria provided, single submitter. Criteria: EGL Classification Definitions 2015. Collection method: clinical testing. Allele origin: germline. Observed: 2 variant alleles, 2 heterozygotes.

Natera, Inc.
Classification: Uncertain significance for Sandhoff disease. Last evaluated: 2021-10-07. Review status: no assertion criteria provided. Collection method: clinical testing. Allele origin: germline. Not counted in ClinVar's aggregate classification.

NM_000521.4(HEXB):c.1478T>G (p.Val493Gly)

Gene: HEXB (hexosaminidase subunit beta; plus strand). Cytogenetic location: 5q13.3.
Variant type: single nucleotide variant.
Coding change: c.1478T>G on transcript NM_000521.4 (MANE Select); coding-DNA position 1478, T replaced by G.
Protein change: p.Val493Gly; replaces valine 493 with glycine.
Molecular consequence: missense variant.
Genome position (GRCh38, 1-based): chr5:74,720,488, T>G. VCF-style: chr5-74720488-T-G. GRCh37 (hg19) VCF-style: chr5-74016313-T-G.
Other names: c.803T>G, p.Val268Gly (NM_001292004.2); short protein forms V493G, V268G.
Identifiers: ClinVar variation 193999 (VCV000193999.15), dbSNP rs794727049, ClinGen allele CA200905.
Genomic context (GRCh38, chr5:74,720,488, plus strand): 5'-GTACTCAGAAACAGAAACAACTTTTCATTGGTGGAGAAGCTTGTCTATGGGGAGAATATG[T>G]GGATGCAACTAACCTCACTCCAAGATTATGGTATGGGATTTACCTGATAACATTTAAGAA-3'
Protein context (NP_000512.2, residues 483-503): GGEACLWGEY[Val493Gly]DATNLTPRLW